The following is an entry in ClinVar:

ClinVar aggregate classification (germline): Uncertain significance (1 of 4 stars; one submission).

Submission:

Labcorp Genetics (formerly Invitae), Labcorp
Classification: Uncertain significance. Last evaluated: 2024-06-20. Review status: criteria provided, single submitter. Criteria: Invitae Variant Classification Sherloc (09022015). Collection method: clinical testing. Allele origin: germline.
Comment: This sequence change replaces leucine, which is neutral and non-polar, with methionine, which is neutral and non-polar, at codon 155 of the TGFB1 protein (p.Leu155Met). This variant is not present in population databases (gnomAD no frequency). This variant has not been reported in the literature in individuals affected with TGFB1-related conditions. Advanced modeling of protein sequence and biophysical properties (such as structural, functional, and spatial information, amino acid conservation, physicochemical variation, residue mobility, and thermodynamic stability) performed at Invitae indicates that this missense variant is not expected to disrupt TGFB1 protein function with a negative predictive value of 80%. In summary, the available evidence is currently insufficient to determine the role of this variant in disease. Therefore, it has been classified as a Variant of Uncertain Significance.

NM_000660.7(TGFB1):c.463C>A (p.Leu155Met)

Gene: TGFB1 (transforming growth factor beta 1; minus strand). Cytogenetic location: 19q13.2.
Variant type: single nucleotide variant.
Coding change: c.463C>A on transcript NM_000660.7 (MANE Select); coding-DNA position 463, C replaced by A.
Protein change: p.Leu155Met; replaces leucine 155 with methionine.
Molecular consequence: missense variant.
Genome position (GRCh38, 1-based): chr19:41,348,348, G>T on the plus strand (C>A on the coding strand, the complement: TGFB1 is on the minus strand). VCF-style: chr19-41348348-G-T. GRCh37 (hg19) VCF-style: chr19-41854253-G-T.
Other names: short protein forms L155M.
Identifiers: ClinVar variation 3656434 (VCV003656434.2).